The following is an entry in ClinVar:

NM_001363.5(DKC1):c.1409AGA[2] (p.Lys472del)

Gene: DKC1 (dyskerin pseudouridine synthase 1; plus strand). Cytogenetic location: Xq28.
Variant type: Microsatellite.
Coding change: c.1409AGA[2] on transcript NM_001363.5 (MANE Select); two copies in a row of the 3-base unit AGA starting at c.1409; the reference has three copies in a row; one copy, 3 bases deleted.
Protein change: p.Lys472del; deletes lysine 472.
Molecular consequence: inframe deletion. On other transcripts: 3 prime UTR variant (1), non-coding transcript variant (3).
Genome position (GRCh38, 1-based): chrX:154,776,263-154,776,265, AGA deleted; deleting any 3 consecutive bases within chrX:154,776,256-154,776,265 gives the same sequence; the position shown is the placement nearest the transcript's 3' end. VCF-style (leftmost placement, unchanged base first): chrX-154776255-AAAG-A. GRCh37 (hg19) VCF-style: chrX-154004530-AAAG-A.
Other names: c.1394AGA[2], p.Lys467del (NM_001142463.3); c.*635AGA[2] (NM_001288747.2); short protein forms K472del, K467del.
Identifiers: ClinVar variation 569599 (VCV000569599.14), dbSNP rs781922569, ClinGen allele CA10567272.

ClinVar aggregate classification (germline): Benign/Likely benign. Review status: criteria provided, multiple submitters, no conflicts (2 of 4 stars). 4 submissions from 4 submitters: Benign (1); Likely benign (3). Last evaluated 2024-11-13.

Conditions:
Dyskeratosis congenita. Identifiers: Orphanet 1775, MedGen C0265965, MONDO:0015780.
DKC1-related disorder. Also called: DKC1-related condition. Identifiers: MedGen CN294808, MONDO:0100152.

Submissions (4):

PreventionGenetics, part of Exact Sciences
Classification: Likely benign for DKC1-related condition. Last evaluated: 2024-11-13. Review status: criteria provided, single submitter. Criteria: ACMG Guidelines, 2015. Collection method: clinical testing. Allele origin: germline.
Comment: This variant is classified as likely benign based on ACMG/AMP sequence variant interpretation guidelines (Richards et al. 2015 PMID: 25741868, with internal and published modifications).

Labcorp Genetics (formerly Invitae), Labcorp
Classification: Benign for Dyskeratosis congenita. Last evaluated: 2024-10-24. Review status: criteria provided, single submitter. Criteria: Invitae Variant Classification Sherloc (09022015). Collection method: clinical testing. Allele origin: germline.

Blueprint Genetics
Classification: Likely benign. Last evaluated: 2023-01-31. Review status: criteria provided, single submitter. Criteria: ACMG Guidelines, 2015. Collection method: clinical testing. Allele origin: germline.

Sema4
Classification: Likely benign for Dyskeratosis congenita. Last evaluated: 2022-03-10. Review status: criteria provided, single submitter. Criteria: Sema4 Curation Guidelines. Collection method: curation. Allele origin: germline.